The following is an entry in ClinVar:

ClinVar aggregate classification (germline): Likely pathogenic (1 of 4 stars; one submission).

Conditions:
Hereditary diffuse gastric adenocarcinoma (HDGC). Also called: DIFFUSE GASTRIC AND LOBULAR BREAST CANCER SYNDROME. Identifiers: Orphanet 26106, MedGen C1708349, MONDO:0007648, OMIM 137215.

Submission:

Myriad Genetics, Inc.
Classification: Likely pathogenic for Hereditary diffuse gastric adenocarcinoma. Last evaluated: 2023-06-12. Review status: criteria provided, single submitter. Criteria: Myriad Autosomal Dominant, Autosomal Recessive and X-Linked Classification Criteria (2023). Collection method: clinical testing. Allele origin: unknown.
Comment: This variant is considered likely pathogenic. This variant occurs within a consensus splice junction and is predicted to result in abnormal mRNA splicing of either an out-of-frame exon or an in-frame exon necessary for protein stability and/or normal function.

NM_004360.5(CDH1):c.1128_1137+1delinsGGAGT

Gene: CDH1 (cadherin 1; plus strand). Cytogenetic location: 16q22.1.
Variant type: Indel.
Coding change: c.1128_1137+1delinsGGAGT on transcript NM_004360.5 (MANE Select); coding-DNA position 1128 through the canonical splice donor site of the intron after coding-DNA position 1137, TCCCACCACGG replaced by GGAGT.
Molecular consequence: splice donor variant.
Genome position (GRCh38, 1-based): chr16:68,812,254-68,812,264, TCCCACCACGG replaced by GGAGT. VCF-style: chr16-68812254-TCCCACCACGG-GGAGT. GRCh37 (hg19) VCF-style: chr16-68846157-TCCCACCACGG-GGAGT.
Other names: c.-488_-479+1delinsGGAGT (NM_001317185.2); c.-692_-683+1delinsGGAGT (NM_001317186.2); c.1128_1137+1delinsGGAGT (NM_001317184.2).
Identifiers: ClinVar variation 2583656 (VCV002583656.2), dbSNP rs2543924566, ClinGen allele CA2582342581.